The following is an entry in ClinVar:

ClinVar aggregate classification (germline): Uncertain significance (1 of 4 stars; one submission).

Submission:

Labcorp Genetics (formerly Invitae), Labcorp
Classification: Uncertain significance. Last evaluated: 2021-08-23. Review status: criteria provided, single submitter. Criteria: Invitae Variant Classification Sherloc (09022015). Collection method: clinical testing. Allele origin: germline.
Comment: In summary, the available evidence is currently insufficient to determine the role of this variant in disease. Therefore, it has been classified as a Variant of Uncertain Significance. Experimental studies and prediction algorithms are not available or were not evaluated, and the functional significance of this variant is currently unknown. This variant has not been reported in the literature in individuals affected with COL18A1-related conditions. This variant is not present in population databases (ExAC no frequency). This sequence change replaces proline with alanine at codon 1075 of the COL18A1 protein (p.Pro1075Ala). There is a small physicochemical difference between proline and alanine.

NM_001379500.1(COL18A1):c.3232C>G (p.Pro1078Ala)

Genes: COL18A1 (collagen type XVIII alpha 1 chain; plus strand), SLC19A1 (solute carrier family 19 member 1; minus strand). Cytogenetic location: 21q22.3.
Variant type: single nucleotide variant.
Coding change: c.3232C>G on transcript NM_001379500.1 (MANE Select); coding-DNA position 3232, C replaced by G.
Protein change: p.Pro1078Ala; replaces proline 1078 with alanine.
Molecular consequence: missense variant.
Genome position (GRCh38, 1-based): chr21:45,507,576, C>G. VCF-style: chr21-45507576-C-G. GRCh37 (hg19) VCF-style: chr21-46927490-C-G.
Other names: c.3763C>G, p.Pro1255Ala (NM_030582.4); c.4468C>G, p.Pro1490Ala (NM_130444.3); short protein forms P1078A, P1255A, P1490A.
Identifiers: ClinVar variation 1508089 (VCV001508089.6), dbSNP rs2146102937, ClinGen allele CA410500482.